The following is an entry in ClinVar:

NM_001943.5(DSG2):c.1370C>G (p.Ser457Cys)

Gene: DSG2 (desmoglein 2; plus strand). Cytogenetic location: 18q12.1.
Variant type: single nucleotide variant.
Coding change: c.1370C>G on transcript NM_001943.5 (MANE Select); coding-DNA position 1370, C replaced by G.
Protein change: p.Ser457Cys; replaces serine 457 with cysteine.
Molecular consequence: missense variant.
Genome position (GRCh38, 1-based): chr18:31,535,359, C>G. VCF-style: chr18-31535359-C-G. GRCh37 (hg19) VCF-style: chr18-29115322-C-G.
Other names: short protein forms S457C.
Identifiers: ClinVar variation 3221935 (VCV003221935.1), dbSNP rs1370902155, ClinGen allele CA402140417.

ClinVar aggregate classification (germline): Uncertain significance (1 of 4 stars; one submission).

Conditions:
Cardiovascular phenotype. Identifiers: MedGen CN230736.

Allele frequency attached by ClinVar (database versions not stated): gnomAD exomes below 0.00001; TOPMed 0.00002.
gnomAD v4.1: 3 of 1,610,402 alleles (0.00019%); highest among the groups gnomAD compares: Non-Finnish European, 0.00017%; no homozygotes.

Submission:

Ambry Genetics
Classification: Uncertain significance for Cardiovascular phenotype. Last evaluated: 2024-03-12. Review status: criteria provided, single submitter. Criteria: Ambry Variant Classification Scheme 2023. Collection method: clinical testing. Allele origin: germline.
Comment: The p.S457C variant (also known as c.1370C>G), located in coding exon 10 of the DSG2 gene, results from a C to G substitution at nucleotide position 1370. The serine at codon 457 is replaced by cysteine, an amino acid with dissimilar properties. This alteration has been reported in a sudden unexplained death cohort; however, clinical details were limited (Hertz CL et al. Eur J Hum Genet, 2016 Jun;24:817-22). This amino acid position is highly conserved in available vertebrate species. In addition, the in silico prediction for this alteration is inconclusive. Based on the available evidence, the clinical significance of this alteration remains unclear.

Literature cited by the submitters: PubMed 26350513.